The following is an entry in ClinVar:

ClinVar aggregate classification (germline): Uncertain significance (1 of 4 stars; one submission).

Allele frequency attached by ClinVar (database versions not stated): gnomAD exomes 0.00001; ExAC 0.00004; 1000 Genomes Project 30x 0.00031; 1000 Genomes Project 0.00040.
gnomAD v4.1: 28 of 1,613,608 alleles (0.0017%); highest among the groups gnomAD compares: Non-Finnish European, 0.0018%; no homozygotes.

Submission:

Labcorp Genetics (formerly Invitae), Labcorp
Classification: Uncertain significance. Last evaluated: 2022-12-31. Review status: criteria provided, single submitter. Criteria: Invitae Variant Classification Sherloc (09022015). Collection method: clinical testing. Allele origin: germline.
Comment: In summary, the available evidence is currently insufficient to determine the role of this variant in disease. Therefore, it has been classified as a Variant of Uncertain Significance. Algorithms developed to predict the effect of missense changes on protein structure and function output the following: SIFT: "Tolerated"; PolyPhen-2: "Benign"; Align-GVGD: "Class C0". The aspartic acid amino acid residue is found in multiple mammalian species, which suggests that this missense change does not adversely affect protein function. This variant has not been reported in the literature in individuals affected with RP1-related conditions. This variant is present in population databases (rs191325149, gnomAD 0.008%). This sequence change replaces glycine, which is neutral and non-polar, with aspartic acid, which is acidic and polar, at codon 2101 of the RP1 protein (p.Gly2101Asp).

NM_006269.2(RP1):c.6302G>A (p.Gly2101Asp)

Gene: RP1 (RP1 axonemal microtubule associated; plus strand). Cytogenetic location: 8q12.1.
Variant type: single nucleotide variant.
Coding change: c.6302G>A on transcript NM_006269.2 (MANE Select); coding-DNA position 6302, G replaced by A.
Protein change: p.Gly2101Asp; replaces glycine 2101 with aspartic acid.
Molecular consequence: missense variant. On other transcripts: intron variant (1).
Genome position (GRCh38, 1-based): chr8:54,630,184, G>A. VCF-style: chr8-54630184-G-A. GRCh37 (hg19) VCF-style: chr8-55542744-G-A.
Other names: c.787+7896G>A (NM_001375654.1); short protein forms G2101D.
Identifiers: ClinVar variation 3001764 (VCV003001764.3), dbSNP rs191325149, ClinGen allele CA4752223.